The following is an entry in ClinVar:

NM_002435.3(MPI):c.43C>T (p.Gln15Ter)

Gene: MPI (mannose phosphate isomerase; plus strand). Cytogenetic location: 15q24.1.
Variant type: single nucleotide variant.
Coding change: c.43C>T on transcript NM_002435.3 (MANE Select); coding-DNA position 43, C replaced by T.
Protein change: p.Gln15Ter; replaces glutamine 15 with a stop codon.
Molecular consequence: nonsense. On other transcripts: 5 prime UTR variant (1), intron variant (1).
Genome position (GRCh38, 1-based): chr15:74,890,553, C>T. VCF-style: chr15-74890553-C-T. GRCh37 (hg19) VCF-style: chr15-75182894-C-T.
Other names: c.43C>T, p.Gln15Ter (NM_001289155.2, NM_001289157.2); c.-18C>T (NM_001330372.2); c.-7+464C>T (NM_001289156.2); short protein forms Q15*.
Identifiers: ClinVar variation 2769293 (VCV002769293.3), dbSNP rs2505811178, ClinGen allele CA393169015.

ClinVar aggregate classification (germline): Pathogenic (1 of 4 stars; one submission).

Conditions:
MPI-congenital disorder of glycosylation. Also called: MPI DEFICIENCY; MANNOSEPHOSPHATE ISOMERASE DEFICIENCY; PROTEIN-LOSING ENTEROPATHY-HEPATIC FIBROSIS SYNDROME; MPI-CDG; CONGENITAL DISORDER OF GLYCOSYLATION, TYPE Ib; CDG Ib. Identifiers: Orphanet 79319, MedGen C1865145, MONDO:0011257, OMIM 602579.

Submission:

Labcorp Genetics (formerly Invitae), Labcorp
Classification: Pathogenic for MPI-congenital disorder of glycosylation. Last evaluated: 2023-10-17. Review status: criteria provided, single submitter. Criteria: Invitae Variant Classification Sherloc (09022015). Collection method: clinical testing. Allele origin: germline.
Comment: This sequence change creates a premature translational stop signal (p.Gln15*) in the MPI gene. It is expected to result in an absent or disrupted protein product. Loss-of-function variants in MPI are known to be pathogenic (PMID: 19862844). This variant is not present in population databases (gnomAD no frequency). This variant has not been reported in the literature in individuals affected with MPI-related conditions. For these reasons, this variant has been classified as Pathogenic.

Literature cited by the submitters: PubMed 19862844.